The following is an entry in ClinVar:

ClinVar aggregate classification (germline): Uncertain significance. Review status: criteria provided, multiple submitters, no conflicts (2 of 4 stars). 2 submissions from 2 submitters: Uncertain significance (2). Last evaluated 2025-12-30.

Conditions:
Inborn genetic diseases. Identifiers: MedGen C0950123, MeSH D030342.

Allele frequency attached by ClinVar (database versions not stated): TOPMed 0.00001; gnomAD exomes 0.00002.
gnomAD v4.1: 10 of 1,612,526 alleles (0.00062%); highest among the groups gnomAD compares: Admixed American, 0.015%; no homozygotes.

Submissions (2):

Labcorp Genetics (formerly Invitae), Labcorp
Classification: Uncertain significance. Last evaluated: 2025-12-30. Review status: criteria provided, single submitter. Criteria: Invitae Variant Classification Sherloc (09022015). Collection method: clinical testing. Allele origin: germline.
Comment: This sequence change replaces serine, which is neutral and polar, with proline, which is neutral and non-polar, at codon 531 of the TNFRSF11A protein (p.Ser531Pro). This variant is present in population databases (rs146599935, gnomAD 0.02%). This variant has not been reported in the literature in individuals affected with TNFRSF11A-related conditions. ClinVar contains an entry for this variant (Variation ID: 1360713). An algorithm developed to predict the effect of missense changes on protein structure and function (PolyPhen-2) suggests that this variant is likely to be disruptive. In summary, the available evidence is currently insufficient to determine the role of this variant in disease. Therefore, it has been classified as a Variant of Uncertain Significance.

Ambry Genetics
Classification: Uncertain significance for Inborn genetic diseases. Last evaluated: 2025-04-08. Review status: criteria provided, single submitter. Criteria: Ambry Variant Classification Scheme 2023. Collection method: clinical testing. Allele origin: germline.

NM_003839.4(TNFRSF11A):c.1591T>C (p.Ser531Pro)

Gene: TNFRSF11A (TNF receptor superfamily member 11a; plus strand). Cytogenetic location: 18q21.33.
Variant type: single nucleotide variant.
Coding change: c.1591T>C on transcript NM_003839.4 (MANE Select); coding-DNA position 1591, T replaced by C.
Protein change: p.Ser531Pro; replaces serine 531 with proline.
Molecular consequence: missense variant. On other transcripts: 3 prime UTR variant (1).
Genome position (GRCh38, 1-based): chr18:62,384,774, T>C. VCF-style: chr18-62384774-T-C. GRCh37 (hg19) VCF-style: chr18-60052007-T-C.
Other names: c.*15T>C (NM_001270949.2); c.754T>C, p.Ser252Pro (NM_001270950.2); c.640T>C, p.Ser214Pro (NM_001270951.2); c.1549T>C, p.Ser517Pro (NM_001278268.2); c.1591T>C (NM_003839.2); short protein forms S252P, S517P, S214P, S531P.
Identifiers: ClinVar variation 1360713 (VCV001360713.9), dbSNP rs146599935, ClinGen allele CA8984004.
Genomic context (GRCh38, chr18:62,384,774, plus strand): 5'-CTCACCCTCCCCGTGTTCTCCCTTCCTCTCCCCGCAGGAAATGTGACTGGAAACAGTAAC[T>C]CCACGTTCATCTCCAGCGGGCAGGTGATGAACTTCAAGGGCGACATCATCGTGGTCTACG-3'
Protein context (NP_003830.1, residues 521-541): ASGNVTGNSN[Ser531Pro]TFISSGQVMN